The following continues an entry in ClinVar:

NM_000492.4(CFTR):c.1418del (p.Gly473fs)

ClinVar aggregate classification (germline): Pathogenic. Pathogenic (1).

Submissions 16 to 17 of 17:

Women's Health and Genetics/Laboratory Corporation of America, LabCorp
Classification: Pathogenic for Cystic fibrosis. Last evaluated: 2016-10-27. Review status: criteria provided, single submitter. Criteria: LabCorp Variant Classification Summary - May 2015. Collection method: clinical testing. Allele origin: germline. Not counted in ClinVar's aggregate classification.
Comment: Variant summary: The CFTR c.1418delG (p.Gly473Glufs) variant results in a premature termination codon, predicted to cause a truncated or absent CFTR protein due to nonsense mediated decay, which are commonly known mechanisms for disease. Truncations downstream of this position have been classified as pathogenic by our laboratory (e.g. p.Ser489X, p.Gln493X, p.Glu514X). One in silico tool predicts a damaging outcome for this variant. This variant is absent from 121306 control chromosomes and has been reported in numerous affected individuals in the literature, and is specifically noted as being a common disease causing mutation in the Arab population. In addition, the CFTR2 database has classified this variant as pathogenic. Taken together, this variant is classified as pathogenic.

Counsyl
Classification: Pathogenic for Cystic fibrosis. Last evaluated: 2016-04-05. Review status: no assertion criteria provided. Collection method: clinical testing. Allele origin: unknown. Not counted in ClinVar's aggregate classification.

Literature cited by the submitters: PubMed 1695717 (cited by Labcorp Genetics (formerly Invitae), Labcorp); PubMed 7691345 (cited by Labcorp Genetics (formerly Invitae), Labcorp); PubMed 9725922 (cited by Labcorp Genetics (formerly Invitae), Labcorp); PubMed 9429141 (cited by 6 submitters); PubMed 21198395 (cited by Labcorp Genetics (formerly Invitae), Labcorp and Quest Diagnostics Nichols Institute San Juan Capistrano); PubMed 23974870 (cited by 7 submitters); PubMed 26708955 (cited by 3 submitters); PubMed 26905352 (cited by Labcorp Genetics (formerly Invitae), Labcorp and Quest Diagnostics Nichols Institute San Juan Capistrano); PubMed 37777263 (cited by Quest Diagnostics Nichols Institute San Juan Capistrano); PubMed 38744777 (cited by Quest Diagnostics Nichols Institute San Juan Capistrano); PubMed 35663788 (cited by Quest Diagnostics Nichols Institute San Juan Capistrano); PubMed 32026723 (cited by Quest Diagnostics Nichols Institute San Juan Capistrano); PubMed 35573065 (cited by Quest Diagnostics Nichols Institute San Juan Capistrano); PubMed 11924117 (cited by Quest Diagnostics Nichols Institute San Juan Capistrano and AiLife Diagnostics); PubMed 10834512 (cited by 3 submitters); PubMed 17331079 (cited by Quest Diagnostics Nichols Institute San Juan Capistrano and Women's Health and Genetics/Laboratory Corporation of America, LabCorp); PubMed 18456578 (cited by 3 submitters); PubMed 28040058 (cited by Quest Diagnostics Nichols Institute San Juan Capistrano); PubMed 31036917 (cited by Quest Diagnostics Nichols Institute San Juan Capistrano and AiLife Diagnostics); PubMed 32719396 (cited by Quest Diagnostics Nichols Institute San Juan Capistrano and AiLife Diagnostics); PubMed 31130284 (cited by AiLife Diagnostics); PubMed 28408918 (cited by Mayo Clinic Laboratories, Mayo Clinic).